The following is an entry in ClinVar:

NM_004304.5(ALK):c.861C>G (p.Ser287Arg)

Gene: ALK (ALK receptor tyrosine kinase; minus strand). Cytogenetic location: 2p23.2.
Variant type: single nucleotide variant.
Coding change: c.861C>G on transcript NM_004304.5 (MANE Select); coding-DNA position 861, C replaced by G.
Protein change: p.Ser287Arg; replaces serine 287 with arginine.
Molecular consequence: missense variant.
Genome position (GRCh38, 1-based): chr2:29,694,941, G>C on the plus strand (C>G on the coding strand, the complement: ALK is on the minus strand). VCF-style: chr2-29694941-G-C. GRCh37 (hg19) VCF-style: chr2-29917807-G-C.
Other names: short protein forms S287R.
Identifiers: ClinVar variation 1404311 (VCV001404311.9), dbSNP rs1321970113, ClinGen allele CA346586987.

ClinVar aggregate classification (germline): Uncertain significance. Review status: criteria provided, multiple submitters, no conflicts (2 of 4 stars). 2 submissions from 2 submitters: Uncertain significance (2). Last evaluated 2024-11-01.

Conditions:
Neuroblastoma, susceptibility to, 3. Also called: ALK-Related Neuroblastic Tumor Susceptibility. Identifiers: Orphanet 635, MedGen C2751681, MONDO:0013083, OMIM 613014.
Hereditary cancer-predisposing syndrome. Also called: Neoplastic Syndromes, Hereditary; Hereditary neoplastic syndrome; Hereditary Cancer Syndrome; Tumor predisposition. Identifiers: Orphanet 140162, MedGen C0027672, MeSH D009386, MONDO:0015356.

gnomAD v4.1: 2 of 1,614,160 alleles (0.00012%); highest among the groups gnomAD compares: Non-Finnish European, 0.00017%; no homozygotes.

Submissions (2):

Ambry Genetics
Classification: Uncertain significance for Hereditary cancer-predisposing syndrome. Last evaluated: 2024-11-01. Review status: criteria provided, single submitter. Criteria: Ambry Variant Classification Scheme 2023. Collection method: clinical testing. Allele origin: germline.
Comment: The p.S287R variant (also known as c.861C>G), located in coding exon 3 of the ALK gene, results from a C to G substitution at nucleotide position 861. The serine at codon 287 is replaced by arginine, an amino acid with dissimilar properties. This amino acid position is conserved. In addition, this alteration is predicted to be tolerated by in silico analysis. Since supporting evidence is limited at this time, the clinical significance of this alteration remains unclear.

Labcorp Genetics (formerly Invitae), Labcorp
Classification: Uncertain significance for Neuroblastoma, susceptibility to, 3. Last evaluated: 2024-05-29. Review status: criteria provided, single submitter. Criteria: Invitae Variant Classification Sherloc (09022015). Collection method: clinical testing. Allele origin: germline.
Comment: This sequence change replaces serine, which is neutral and polar, with arginine, which is basic and polar, at codon 287 of the ALK protein (p.Ser287Arg). This variant is not present in population databases (gnomAD no frequency). This variant has not been reported in the literature in individuals affected with ALK-related conditions. ClinVar contains an entry for this variant (Variation ID: 1404311). An algorithm developed to predict the effect of missense changes on protein structure and function (PolyPhen-2) suggests that this variant is likely to be disruptive. In summary, the available evidence is currently insufficient to determine the role of this variant in disease. Therefore, it has been classified as a Variant of Uncertain Significance.